The following is an entry in ClinVar:

ClinVar aggregate classification (germline): Uncertain significance. Review status: criteria provided, single submitter (1 of 4 stars). 2 submissions from 2 submitters: Uncertain significance (1). 1 of the submissions does not count toward it. Last evaluated 2024-06-17.

Conditions:
TYRP1-related disorder. Also called: TYRP1-related condition.

Allele frequency attached by ClinVar (database versions not stated): TOPMed below 0.00001; gnomAD 0.00001; ExAC 0.00002; ESP Exome Variant Server 0.00008.

Submissions (2):

Labcorp Genetics (formerly Invitae), Labcorp
Classification: Uncertain significance. Last evaluated: 2024-06-17. Review status: criteria provided, single submitter. Criteria: Invitae Variant Classification Sherloc (09022015). Collection method: clinical testing. Allele origin: germline.
Comment: This sequence change replaces proline, which is neutral and non-polar, with threonine, which is neutral and polar, at codon 247 of the TYRP1 protein (p.Pro247Thr). This variant is present in population databases (rs377629560, gnomAD 0.004%). This variant has not been reported in the literature in individuals affected with TYRP1-related conditions. ClinVar contains an entry for this variant (Variation ID: 1967625). Advanced modeling of protein sequence and biophysical properties (such as structural, functional, and spatial information, amino acid conservation, physicochemical variation, residue mobility, and thermodynamic stability) performed at Invitae indicates that this missense variant is expected to disrupt TYRP1 protein function with a positive predictive value of 80%. In summary, the available evidence is currently insufficient to determine the role of this variant in disease. Therefore, it has been classified as a Variant of Uncertain Significance.

PreventionGenetics, part of Exact Sciences
Classification: Uncertain significance for TYRP1-related condition. Last evaluated: 2024-04-25. Review status: no assertion criteria provided. Collection method: clinical testing. Allele origin: germline. Not counted in ClinVar's aggregate classification.
Comment: The TYRP1 c.739C>A variant is predicted to result in the amino acid substitution p.Pro247Thr. To our knowledge, this variant has not been reported in the literature. This variant is reported in 0.0026% of alleles in individuals of European (Non-Finnish) descent in gnomAD. At this time, the clinical significance of this variant is uncertain due to the absence of conclusive functional and genetic evidence.

NM_000550.3(TYRP1):c.739C>A (p.Pro247Thr)

Gene: TYRP1 (tyrosinase related protein 1; plus strand). Cytogenetic location: 9p23.
Variant type: single nucleotide variant.
Coding change: c.739C>A on transcript NM_000550.3 (MANE Select); coding-DNA position 739, C replaced by A.
Protein change: p.Pro247Thr; replaces proline 247 with threonine.
Molecular consequence: missense variant.
Genome position (GRCh38, 1-based): chr9:12,698,481, C>A. VCF-style: chr9-12698481-C-A. GRCh37 (hg19) VCF-style: chr9-12698481-C-A.
Other names: c.739C>A (NM_000550.2); short protein forms P247T.
Identifiers: ClinVar variation 1967625 (VCV001967625.5), dbSNP rs377629560, ClinGen allele CA4985313.
Genomic context (GRCh38, chr9:12,698,481, plus strand): 5'-GAGAGTATTAATGTGGTTTCTGTGATCTAGGAAATGTTGCAAGAGCCTTCTTTCTCCCTT[C>A]CTTACTGGAATTTTGCAACGGGGAAAAATGTCTGTGATATCTGCACGGATGACTTGATGG-3'
Protein context (NP_000541.1, residues 237-257): EMLQEPSFSL[Pro247Thr]YWNFATGKNV